The following is an entry in ClinVar:

NM_001378454.1(ALMS1):c.6419G>C (p.Ser2140Thr)

Gene: ALMS1 (ALMS1 centrosome and basal body associated protein; plus strand). Cytogenetic location: 2p13.1.
Variant type: single nucleotide variant.
Coding change: c.6419G>C on transcript NM_001378454.1 (MANE Select); coding-DNA position 6419, G replaced by C.
Protein change: p.Ser2140Thr; replaces serine 2140 with threonine.
Molecular consequence: missense variant.
Genome position (GRCh38, 1-based): chr2:73,452,946, G>C. VCF-style: chr2-73452946-G-C. GRCh37 (hg19) VCF-style: chr2-73680073-G-C.
Other names: c.6422G>C, p.Ser2141Thr (NM_015120.4); short protein forms S2140T, S2141T.
Identifiers: ClinVar variation 1399823 (VCV001399823.6), dbSNP rs1671979572, ClinGen allele CA347287548.

ClinVar aggregate classification (germline): Uncertain significance (1 of 4 stars; one submission).

Conditions:
Alstrom syndrome (ALMS). Identifiers: Orphanet 64, MedGen C0268425, MONDO:0008763, OMIM 203800.

Allele frequency attached by ClinVar (database versions not stated): TOPMed below 0.00001.

Submission:

Labcorp Genetics (formerly Invitae), Labcorp
Classification: Uncertain significance for Alstrom syndrome. Last evaluated: 2021-08-09. Review status: criteria provided, single submitter. Criteria: Invitae Variant Classification Sherloc (09022015). Collection method: clinical testing. Allele origin: germline.
Comment: In summary, the available evidence is currently insufficient to determine the role of this variant in disease. Therefore, it has been classified as a Variant of Uncertain Significance. Experimental studies and prediction algorithms are not available or were not evaluated, and the functional significance of this variant is currently unknown. This variant has not been reported in the literature in individuals affected with ALMS1-related conditions. This variant is not present in population databases (ExAC no frequency). This sequence change replaces serine with threonine at codon 2141 of the ALMS1 protein (p.Ser2141Thr). The serine residue is weakly conserved and there is a small physicochemical difference between serine and threonine.